The following is an entry in ClinVar:

NM_004177.5(STX3):c.136A>G (p.Ile46Val)

Gene: STX3 (syntaxin 3; plus strand). Cytogenetic location: 11q12.1.
Variant type: single nucleotide variant.
Coding change: c.136A>G on transcript NM_004177.5 (MANE Select); coding-DNA position 136, A replaced by G.
Protein change: p.Ile46Val; replaces isoleucine 46 with valine.
Molecular consequence: missense variant.
Genome position (GRCh38, 1-based): chr11:59,787,058, A>G. VCF-style: chr11-59787058-A-G. GRCh37 (hg19) VCF-style: chr11-59554531-A-G.
Other names: c.136A>G, p.Ile46Val (NM_001178040.3); short protein forms I46V.
Identifiers: ClinVar variation 2041823 (VCV002041823.2), dbSNP rs895642210, ClinGen allele CA223229732.
Genomic context (GRCh38, chr11:59,787,058, plus strand): 5'-CCTCTTTGATGATGAAGGTTATTGTCTTTCTGATTATAGATTGAGGAAACTCGGCTTAAC[A>G]TTGACAAGATCTCAGAACATGTAGAGGAGGCTAAGAAACTCTACAGTATCATTCTCTCTG-3'
Protein context (NP_004168.1, residues 36-56): FSEIEETRLN[Ile46Val]DKISEHVEEA

ClinVar aggregate classification (germline): Uncertain significance (1 of 4 stars; one submission).

Allele frequency attached by ClinVar (database versions not stated): gnomAD exomes below 0.00001; gnomAD 0.00001; TOPMed 0.00001.
gnomAD v4.1: 4 of 1,614,014 alleles (0.00025%); highest among the groups gnomAD compares: Non-Finnish European, 0.00034%; no homozygotes.

Submission:

Labcorp Genetics (formerly Invitae), Labcorp
Classification: Uncertain significance. Last evaluated: 2022-11-28. Review status: criteria provided, single submitter. Criteria: Invitae Variant Classification Sherloc (09022015). Collection method: clinical testing. Allele origin: germline.
Comment: This variant has not been reported in the literature in individuals affected with STX3-related conditions. This variant is present in population databases (no rsID available, gnomAD 0.003%). This sequence change replaces isoleucine, which is neutral and non-polar, with valine, which is neutral and non-polar, at codon 46 of the STX3 protein (p.Ile46Val). In summary, the available evidence is currently insufficient to determine the role of this variant in disease. Therefore, it has been classified as a Variant of Uncertain Significance. Algorithms developed to predict the effect of missense changes on protein structure and function (SIFT, PolyPhen-2, Align-GVGD) all suggest that this variant is likely to be tolerated.